The following is an entry in ClinVar:

NM_000426.4(LAMA2):c.7927A>T (p.Arg2643Ter)

Gene: LAMA2 (laminin subunit alpha 2; plus strand). Cytogenetic location: 6q22.33.
Variant type: single nucleotide variant.
Coding change: c.7927A>T on transcript NM_000426.4 (MANE Select); coding-DNA position 7927, A replaced by T.
Protein change: p.Arg2643Ter; replaces arginine 2643 with a stop codon.
Molecular consequence: nonsense.
Genome position (GRCh38, 1-based): chr6:129,491,929, A>T. VCF-style: chr6-129491929-A-T. GRCh37 (hg19) VCF-style: chr6-129813074-A-T.
Other names: c.7915A>T, p.Arg2639Ter (NM_001079823.2); short protein forms R2639*, R2643*.
Identifiers: ClinVar variation 1441552 (VCV001441552.6), dbSNP rs2114859541, ClinGen allele CA365630479.

ClinVar aggregate classification (germline): Pathogenic (1 of 4 stars; one submission).

Conditions:
LAMA2-related muscular dystrophy (LAMA2-RD). Also called: Laminin alpha 2-related dystrophy. Identifiers: MedGen C5679788, MONDO:0100228.

Submission:

Labcorp Genetics (formerly Invitae), Labcorp
Classification: Pathogenic for LAMA2-related muscular dystrophy. Last evaluated: 2021-03-13. Review status: criteria provided, single submitter. Criteria: Invitae Variant Classification Sherloc (09022015). Collection method: clinical testing. Allele origin: germline.
Comment: For these reasons, this variant has been classified as Pathogenic. This variant has not been reported in the literature in individuals with LAMA2-related conditions. This variant is not present in population databases (ExAC no frequency). This sequence change creates a premature translational stop signal (p.Arg2643*) in the LAMA2 gene. It is expected to result in an absent or disrupted protein product. Loss-of-function variants in LAMA2 are known to be pathogenic (PMID: 18700894).

Literature cited by the submitters: PubMed 18700894.